The following is an entry in ClinVar:

ClinVar aggregate classification (germline): Uncertain significance. Review status: criteria provided, multiple submitters, no conflicts (2 of 4 stars). 3 submissions from 3 submitters: Uncertain significance (3). Last evaluated 2023-08-23.

Conditions:
Neuropathy, hereditary sensory, type 2C. Also called: KIF1A-Related HSAN2 (HSAN2C); Hereditary sensory and autonomic neuropathy type IIC. Identifiers: Orphanet 970, MedGen C3280168, MONDO:0013634, OMIM 614213.
Intellectual disability, autosomal dominant 9 (NESCAVS). Also called: KIF1A-Related Neurodevelopmental Disorder; NESCAV SYNDROME. Identifiers: Orphanet 662367, MedGen C5393830, MONDO:0013656, OMIM 614255.
Hereditary spastic paraplegia 30. Identifiers: Orphanet 101010, MedGen C5235139, MONDO:0012476.

Allele frequency attached by ClinVar (database versions not stated): TOPMed 0.00001.
gnomAD v4.1: 10 of 1,604,802 alleles (0.00062%); highest among the groups gnomAD compares: East Asian, 0.0022%; no homozygotes.

Submissions (3):

Blueprint Genetics
Classification: Uncertain significance. Last evaluated: 2023-08-23. Review status: criteria provided, single submitter. Criteria: ACMG Guidelines, 2015. Collection method: clinical testing. Allele origin: germline.

Labcorp Genetics (formerly Invitae), Labcorp
Classification: Uncertain significance for Hereditary spastic paraplegia 30; Neuropathy, hereditary sensory, type 2C; Intellectual disability, autosomal dominant 9. Last evaluated: 2022-10-30. Review status: criteria provided, single submitter. Criteria: Invitae Variant Classification Sherloc (09022015). Collection method: clinical testing. Allele origin: germline.
Comment: Advanced modeling of protein sequence and biophysical properties (such as structural, functional, and spatial information, amino acid conservation, physicochemical variation, residue mobility, and thermodynamic stability) performed at Invitae indicates that this missense variant is not expected to disrupt KIF1A protein function. This sequence change replaces arginine, which is basic and polar, with cysteine, which is neutral and slightly polar, at codon 1457 of the KIF1A protein (p.Arg1457Cys). This variant is not present in population databases (gnomAD no frequency). This variant has not been reported in the literature in individuals affected with KIF1A-related conditions. In summary, the available evidence is currently insufficient to determine the role of this variant in disease. Therefore, it has been classified as a Variant of Uncertain Significance.

CeGaT Center for Human Genetics Tuebingen
Classification: Uncertain significance. Last evaluated: 2022-08-01. Review status: criteria provided, single submitter. Criteria: CeGaT Center For Human Genetics Tuebingen Variant Classification Criteria Version 2. Collection method: clinical testing. Allele origin: germline. Affected: yes. Observed: 1 variant allele.
Comment: KIF1A: PP2

NM_001244008.2(KIF1A):c.4672C>T (p.Arg1558Cys)

Gene: KIF1A (kinesin family member 1A; minus strand). Cytogenetic location: 2q37.3.
Variant type: single nucleotide variant.
Coding change: c.4672C>T on transcript NM_001244008.2 (MANE Select); coding-DNA position 4672, C replaced by T.
Protein change: p.Arg1558Cys; replaces arginine 1558 with cysteine.
Molecular consequence: missense variant.
Genome position (GRCh38, 1-based): chr2:240,721,878, G>A on the plus strand (C>T on the coding strand, the complement: KIF1A is on the minus strand). VCF-style: chr2-240721878-G-A. GRCh37 (hg19) VCF-style: chr2-241661295-G-A.
Other names: c.4396C>T, p.Arg1466Cys (NM_001320705.2, NM_001379649.1); c.4423C>T, p.Arg1475Cys (NM_001330289.2); c.4471C>T, p.Arg1491Cys (NM_001330290.2, NM_001379648.1); c.4747C>T, p.Arg1583Cys (NM_001379631.1); c.4648C>T, p.Arg1550Cys (NM_001379632.1); c.4645C>T, p.Arg1549Cys (NM_001379633.1, NM_001379645.1); c.4495C>T, p.Arg1499Cys (NM_001379646.1, NM_001379635.1); c.4369C>T, p.Arg1457Cys (NM_001379650.1, NM_001379651.1, NM_001379653.1 and 2 more transcripts); and 7 more; short protein forms R1482C, R1500C, R1456C, R1466C, R1475C, R1549C, R1558C, R1465C.
Identifiers: ClinVar variation 2143964 (VCV002143964.29), dbSNP rs1416814206, ClinGen allele CA351303307.